The following is an entry in ClinVar:

NC_000014.8:g.(32315798_32319324)_(32319408_32328323)del

Gene: NUBPL (NUBP iron-sulfur cluster assembly factor, mitochondrial; plus strand). Cytogenetic location: 14q12.
Variant type: Deletion.
Identifiers: ClinVar variation 2577163 (VCV002577163.1).

ClinVar aggregate classification (germline): Uncertain significance (1 of 4 stars; one submission).

Submission:

Women's Health and Genetics/Laboratory Corporation of America, LabCorp
Classification: Uncertain significance. Last evaluated: 2023-07-13. Review status: criteria provided, single submitter. Criteria: LabCorp Variant Classification Summary - May 2015. Collection method: clinical testing. Allele origin: germline.
Comment: Variant summary: The variant identified by MLPA or other technology involves the deletion of exon 10 in the NUBPL gene. A presumed nomenclature of c.(814+1_815-1)_(897+1_898-1)del has been designated for the purposes of this classification. Although exact breakpoints of this deletion are not known, it is expected to result in a deletion and frameshift change in the Mrp/NBP35 ATP-binding protein domain (IPR019591) of the NUBPL protein. This frameshift is not expected to result in nonsense mediated decay, and no downstream pathogenic variants are reported in ClinVar. The variant was absent in 21694 control chromosomes (gnomAD). The available data on variant occurrences in the general population are insufficient to allow any conclusion about variant significance. To our knowledge, no occurrence of c.(814+1_815-1)_(897+1_898-1)del in individuals affected with Mitochondrial Complex 1 Deficiency, Nuclear Type 21 and no experimental evidence demonstrating its impact on protein function have been reported. One submitter has cited a clinical-significance assessment for this variant to ClinVar after 2014 and has classified the variant as uncertain significance. Based on the evidence outlined above, the variant was classified as uncertain significance.